The following is an entry in ClinVar:

NM_015702.3(MMADHC):c.510T>C (p.Asn170=)

Gene: MMADHC (metabolism of cobalamin associated D; minus strand). Cytogenetic location: 2q23.2.
Variant type: single nucleotide variant.
Coding change: c.510T>C on transcript NM_015702.3 (MANE Select); coding-DNA position 510, T replaced by C.
Protein change: p.Asn170=; no amino-acid change (asparagine 170 retained).
Molecular consequence: synonymous variant.
Genome position (GRCh38, 1-based): chr2:149,575,810, A>G on the plus strand (T>C on the coding strand, the complement: MMADHC is on the minus strand). VCF-style: chr2-149575810-A-G. GRCh37 (hg19) VCF-style: chr2-150432324-A-G.
Identifiers: ClinVar variation 1096322 (VCV001096322.32), dbSNP rs745423033, ClinGen allele CA1902364.

ClinVar aggregate classification (germline): Likely benign. Review status: criteria provided, multiple submitters, no conflicts (2 of 4 stars). 2 submissions from 2 submitters: Likely benign (2). Last evaluated 2025-12-08.

Conditions:
Methylmalonic aciduria and homocystinuria type cblD (MAHCD). Also called: Methylmalonic aciduria with homocystinuria cblD type; METHYLMALONIC ACIDEMIA, cblH TYPE. Identifiers: Orphanet 622, Orphanet 79283, MedGen C1848552, MONDO:0010185, OMIM 277410.

Allele frequency attached by ClinVar (database versions not stated): TOPMed 0.00002; gnomAD 0.00005 and 0.00006.
gnomAD v4.1: 92 of 1,604,198 alleles (0.0057%); highest among the groups gnomAD compares: Non-Finnish European, 0.007%; no homozygotes.

Submissions (2):

Labcorp Genetics (formerly Invitae), Labcorp
Classification: Likely benign for Methylmalonic aciduria and homocystinuria type cblD. Last evaluated: 2025-12-08. Review status: criteria provided, single submitter. Criteria: Invitae Variant Classification Sherloc (09022015). Collection method: clinical testing. Allele origin: germline.

CeGaT Center for Human Genetics Tuebingen
Classification: Likely benign. Last evaluated: 2023-01-01. Review status: criteria provided, single submitter. Criteria: CeGaT Center For Human Genetics Tuebingen Variant Classification Criteria Version 2. Collection method: clinical testing. Allele origin: germline. Affected: yes. Observed: 1 variant allele.
Comment: MMADHC: BP4, BP7